The following is an entry in ClinVar:

NM_006087.4(TUBB4A):c.1055C>T (p.Ala352Val)

Gene: TUBB4A (tubulin beta 4A class IVa; minus strand). Cytogenetic location: 19p13.3.
Variant type: single nucleotide variant.
Coding change: c.1055C>T on transcript NM_006087.4 (MANE Select); coding-DNA position 1055, C replaced by T.
Protein change: p.Ala352Val; replaces alanine 352 with valine.
Molecular consequence: missense variant.
Genome position (GRCh38, 1-based): chr19:6,495,444, G>A on the plus strand (C>T on the coding strand, the complement: TUBB4A is on the minus strand). VCF-style: chr19-6495444-G-A. GRCh37 (hg19) VCF-style: chr19-6495455-G-A.
Other names: c.1208C>T, p.Ala403Val (NM_001289123.2); c.1190C>T, p.Ala397Val (NM_001289127.2); c.1055C>T, p.Ala352Val (NM_001289129.2); c.839C>T, p.Ala280Val (NM_001289130.2, NM_001289131.2); short protein forms A280V, A352V, A397V, A403V.
Identifiers: ClinVar variation 3368286 (VCV003368286.1).

ClinVar aggregate classification (germline): Uncertain significance (1 of 4 stars; one submission).

Submission:

GeneDx
Classification: Uncertain significance. Last evaluated: 2024-01-24. Review status: criteria provided, single submitter. Criteria: GeneDx Variant Classification Process June 2021. Collection method: clinical testing. Allele origin: germline. Affected: yes.
Comment: Not observed at significant frequency in large population cohorts (gnomAD); In silico analysis supports that this missense variant does not alter protein structure/function; Has not been previously published as pathogenic or benign to our knowledge